The following is an entry in ClinVar:

NM_020693.4(DSCAML1):c.1443C>T (p.Gly481=)

Gene: DSCAML1 (DS cell adhesion molecule like 1; minus strand). Cytogenetic location: 11q23.3.
Variant type: single nucleotide variant.
Coding change: c.1443C>T on transcript NM_020693.4 (MANE Select); coding-DNA position 1443, C replaced by T.
Protein change: p.Gly481=; no amino-acid change (glycine 481 retained).
Molecular consequence: synonymous variant.
Genome position (GRCh38, 1-based): chr11:117,518,533, G>A on the plus strand (C>T on the coding strand, the complement: DSCAML1 is on the minus strand). VCF-style: chr11-117518533-G-A. GRCh37 (hg19) VCF-style: chr11-117389248-G-A.
Other names: c.1443C>T, p.Gly481= (NM_001367904.1); c.1035C>T, p.Gly345= (NM_001367905.1).
Identifiers: ClinVar variation 2968823 (VCV002968823.3), dbSNP rs756955590, ClinGen allele CA6297260.

ClinVar aggregate classification (germline): Uncertain significance (1 of 4 stars; one submission).

Allele frequency attached by ClinVar (database versions not stated): ExAC 0.00001; gnomAD 0.00002; TOPMed 0.00003.
gnomAD v4.1: 18 of 1,614,032 alleles (0.0011%); highest among the groups gnomAD compares: Non-Finnish European, 0.0013%; no homozygotes.

Submission:

Labcorp Genetics (formerly Invitae), Labcorp
Classification: Uncertain significance. Last evaluated: 2023-05-20. Review status: criteria provided, single submitter. Criteria: Invitae Variant Classification Sherloc (09022015). Collection method: clinical testing. Allele origin: germline.
Comment: In summary, the available evidence is currently insufficient to determine the role of this variant in disease. Therefore, it has been classified as a Variant of Uncertain Significance. Algorithms developed to predict the effect of sequence changes on RNA splicing suggest that this variant may create or strengthen a splice site. This variant has not been reported in the literature in individuals affected with DSCAML1-related conditions. This variant is present in population databases (rs756955590, gnomAD 0.004%). This sequence change affects codon 541 of the DSCAML1 mRNA. It is a 'silent' change, meaning that it does not change the encoded amino acid sequence of the DSCAML1 protein.